The following is an entry in ClinVar:

NM_206933.4(USH2A):c.14600A>T (p.His4867Leu)

Gene: USH2A (usherin; minus strand). Cytogenetic location: 1q41.
Variant type: single nucleotide variant.
Coding change: c.14600A>T on transcript NM_206933.4 (MANE Select); coding-DNA position 14600, A replaced by T.
Protein change: p.His4867Leu; replaces histidine 4867 with leucine.
Molecular consequence: missense variant.
Genome position (GRCh38, 1-based): chr1:215,647,713, T>A on the plus strand (A>T on the coding strand, the complement: USH2A is on the minus strand). VCF-style: chr1-215647713-T-A. GRCh37 (hg19) VCF-style: chr1-215821055-T-A.
Other names: short protein forms H4867L.
Identifiers: ClinVar variation 842339 (VCV000842339.9), dbSNP rs374096293, ClinGen allele CA1392966.
Genomic context (GRCh38, chr1:215,647,713, plus strand): 5'-TACTTTGTTTCTATTTGGCTGGGAGTACAGGGGAGGGCTGAGTCAGGAGGGCAAGCCACG[T>A]GGAATTGGAGTTCATAGCTAAAATGAGAATGGATACGTAGAGTCAAGACGGGTAATGGAA-3'
Protein context (NP_996816.3, residues 4857-4877): GVIHSYELQF[His4867Leu]VACPPDSALP

ClinVar aggregate classification (germline): Conflicting classifications of pathogenicity. Review status: criteria provided, conflicting classifications (1 of 4 stars). 3 submissions from 3 submitters: Uncertain significance (1); Likely benign (1). 1 of the submissions does not count toward it. Last evaluated 2026-01-29.

Conditions:
Usher syndrome type 2A. Also called: RETINAL DISEASE IN USHER SYNDROME TYPE IIA, MODIFIER OF; USHER SYNDROME, TYPE IIA. Identifiers: Orphanet 231178, Orphanet 886, MedGen C1848634, MONDO:0010169, OMIM 276901.

Allele frequency attached by ClinVar (database versions not stated): gnomAD 0.00001; TOPMed 0.00002.
gnomAD v4.1: 22 of 1,614,076 alleles (0.0014%); highest among the groups gnomAD compares: East Asian, 0.022%; no homozygotes.

Submissions (3):

Labcorp Genetics (formerly Invitae), Labcorp
Classification: Likely benign. Last evaluated: 2026-01-29. Review status: criteria provided, single submitter. Criteria: Invitae Variant Classification Sherloc (09022015). Collection method: clinical testing. Allele origin: germline.

GeneDx
Classification: Uncertain significance. Last evaluated: 2022-04-08. Review status: criteria provided, single submitter. Criteria: GeneDx Variant Classification Process June 2021. Collection method: clinical testing. Allele origin: germline. Affected: yes.
Comment: In silico analysis supports that this missense variant has a deleterious effect on protein structure/function; Has not been previously published as pathogenic or benign to our knowledge

Natera, Inc.
Classification: Uncertain significance for Usher syndrome type 2A. Last evaluated: 2020-01-24. Review status: no assertion criteria provided. Collection method: clinical testing. Allele origin: germline. Not counted in ClinVar's aggregate classification.